The following is an entry in ClinVar:

ClinVar aggregate classification (germline): Pathogenic (1 of 4 stars; one submission).

Conditions:
DICER1-related tumor predisposition. Also called: DICER1 syndrome; DICER1-related pleuropulmonary blastoma cancer predisposition syndrome. Identifiers: Orphanet 284343, MedGen C3839822, MONDO:0100216.

Submission:

Labcorp Genetics (formerly Invitae), Labcorp
Classification: Pathogenic for DICER1-related tumor predisposition. Last evaluated: 2024-01-13. Review status: criteria provided, single submitter. Criteria: Invitae Variant Classification Sherloc (09022015). Collection method: clinical testing. Allele origin: germline.
Comment: A gross deletion of the genomic region encompassing the full coding sequence of the DICER1 gene has been identified. Loss-of-function variants in DICER1 are known to be pathogenic (PMID: 19556464, 21266384). The boundaries of this event are unknown as they extend beyond the assayed region for this gene and therefore may encompass additional genes. Isolated whole-gene deletions of DICER1 have not been reported in the literature. However, larger copy number events that include this gene have been reported (PMID: 28960912, 29315962). For these reasons, this variant has been classified as Pathogenic.

Literature cited by the submitters: PubMed 19556464; PubMed 21266384; PubMed 28960912; PubMed 29315962.

NC_000014.8:g.(?_95556835)_(95599795_?)del

Gene: DICER1 (dicer 1, ribonuclease III; minus strand). Cytogenetic location: 14q32.13.
Variant type: Deletion.
Identifiers: ClinVar variation 1456307 (VCV001456307.4).